The following is an entry in ClinVar:

ClinVar aggregate classification (germline): Uncertain significance (1 of 4 stars; one submission).

Allele frequency attached by ClinVar (database versions not stated): TOPMed 0.00001; ESP Exome Variant Server 0.00015.
gnomAD v4.1: 25 of 1,612,888 alleles (0.0016%); highest among the groups gnomAD compares: Middle Eastern, 0.017%; no homozygotes.

Submission:

Labcorp Genetics (formerly Invitae), Labcorp
Classification: Uncertain significance. Last evaluated: 2025-07-01. Review status: criteria provided, single submitter. Criteria: Invitae Variant Classification Sherloc (09022015). Collection method: clinical testing. Allele origin: germline.
Comment: This sequence change replaces valine, which is neutral and non-polar, with methionine, which is neutral and non-polar, at codon 222 of the RXYLT1 protein (p.Val222Met). This variant is present in population databases (rs370288545, gnomAD 0.02%). This variant has not been reported in the literature in individuals affected with RXYLT1-related conditions. ClinVar contains an entry for this variant (Variation ID: 1038733). Invitae Evidence Modeling of protein sequence and biophysical properties (such as structural, functional, and spatial information, amino acid conservation, physicochemical variation, residue mobility, and thermodynamic stability) indicates that this missense variant is expected to disrupt RXYLT1 protein function with a positive predictive value of 80%. In summary, the available evidence is currently insufficient to determine the role of this variant in disease. Therefore, it has been classified as a Variant of Uncertain Significance.

NM_014254.3(RXYLT1):c.664G>A (p.Val222Met)

Gene: RXYLT1 (ribitol xylosyltransferase 1; plus strand). Cytogenetic location: 12q14.2.
Variant type: single nucleotide variant.
Coding change: c.664G>A on transcript NM_014254.3 (MANE Select); coding-DNA position 664, G replaced by A.
Protein change: p.Val222Met; replaces valine 222 with methionine.
Molecular consequence: missense variant. On other transcripts: 5 prime UTR variant (1).
Genome position (GRCh38, 1-based): chr12:63,802,326, G>A. VCF-style: chr12-63802326-G-A. GRCh37 (hg19) VCF-style: chr12-64196106-G-A.
Other names: c.-117G>A (NM_001278237.2); short protein forms V222M.
Identifiers: ClinVar variation 1038733 (VCV001038733.7), dbSNP rs370288545, ClinGen allele CA6666143.